The following is an entry in ClinVar:

ClinVar aggregate classification (germline): Pathogenic (1 of 4 stars; one submission).

Conditions:
Nephronophthisis 16 (NPHP16). Identifiers: Orphanet 655, MedGen C3809320, MONDO:0014158, OMIM 615382.

Submission:

Labcorp Genetics (formerly Invitae), Labcorp
Classification: Pathogenic for Nephronophthisis 16. Last evaluated: 2024-07-08. Review status: criteria provided, single submitter. Criteria: Invitae Variant Classification Sherloc (09022015). Collection method: clinical testing. Allele origin: germline.
Comment: This sequence change creates a premature translational stop signal (p.Ala52Profs*73) in the ANKS6 gene. It is expected to result in an absent or disrupted protein product. Loss-of-function variants in ANKS6 are known to be pathogenic (PMID: 23793029, 25599650). This variant is not present in population databases (gnomAD no frequency). This variant has not been reported in the literature in individuals affected with ANKS6-related conditions. For these reasons, this variant has been classified as Pathogenic.

Literature cited by the submitters: PubMed 23793029; PubMed 25599650.

NM_173551.5(ANKS6):c.154del (p.Ala52fs)

Gene: ANKS6 (ankyrin repeat and sterile alpha motif domain containing 6; minus strand). Cytogenetic location: 9q22.33.
Variant type: Deletion.
Coding change: c.154del on transcript NM_173551.5 (MANE Select); coding-DNA position 154, one base deleted (G; older notation c.154delG).
Protein change: p.Ala52fs; shifts the reading frame from alanine 52.
Molecular consequence: frameshift variant.
Genome position (GRCh38, 1-based): chr9:98,796,338, C deleted on the plus strand (G on the coding strand, the reverse complement: ANKS6 is on the minus strand); the first of 5 consecutive C bases (chr9:98,796,338-98,796,342); deleting any one gives the same sequence. VCF-style (leftmost placement, unchanged base first): chr9-98796337-GC-G. GRCh37 (hg19) VCF-style: chr9-101558619-GC-G.
Other names: short protein forms A52fs.
Identifiers: ClinVar variation 3686362 (VCV003686362.2).